The following is an entry in ClinVar:

NM_001447.3(FAT2):c.4138T>C (p.Phe1380Leu)

Genes: FAT2 (FAT atypical cadherin 2; minus strand), SLC36A1 (solute carrier family 36 member 1; plus strand). Cytogenetic location: 5q33.1.
Variant type: single nucleotide variant.
Coding change: c.4138T>C on transcript NM_001447.3 (MANE Select); coding-DNA position 4138, T replaced by C.
Protein change: p.Phe1380Leu; replaces phenylalanine 1380 with leucine.
Molecular consequence: missense variant.
Genome position (GRCh38, 1-based): chr5:151,553,195, A>G on the plus strand (T>C on the coding strand, the complement: FAT2 is on the minus strand). VCF-style: chr5-151553195-A-G. GRCh37 (hg19) VCF-style: chr5-150932756-A-G.
Other names: short protein forms F1380L.
Identifiers: ClinVar variation 2873095 (VCV002873095.3), dbSNP rs2127626812, ClinGen allele CA361847434.

ClinVar aggregate classification (germline): Uncertain significance (1 of 4 stars; one submission).

Allele frequency attached by ClinVar (database versions not stated): gnomAD exomes below 0.00001.
gnomAD v4.1: 3 of 1,614,258 alleles (0.00019%); highest among the groups gnomAD compares: Non-Finnish European, 0.00025%; no homozygotes.

Submission:

Labcorp Genetics (formerly Invitae), Labcorp
Classification: Uncertain significance. Last evaluated: 2023-04-18. Review status: criteria provided, single submitter. Criteria: Invitae Variant Classification Sherloc (09022015). Collection method: clinical testing. Allele origin: germline.
Comment: In summary, the available evidence is currently insufficient to determine the role of this variant in disease. Therefore, it has been classified as a Variant of Uncertain Significance. Algorithms developed to predict the effect of missense changes on protein structure and function output the following: SIFT: "Not Available"; PolyPhen-2: "Benign"; Align-GVGD: "Not Available". The leucine amino acid residue is found in multiple mammalian species, which suggests that this missense change does not adversely affect protein function. This variant has not been reported in the literature in individuals affected with FAT2-related conditions. This variant is not present in population databases (gnomAD no frequency). This sequence change replaces phenylalanine, which is neutral and non-polar, with leucine, which is neutral and non-polar, at codon 1380 of the FAT2 protein (p.Phe1380Leu).